The following is an entry in ClinVar:

NM_004329.3(BMPR1A):c.37G>C (p.Ala13Pro)

Gene: BMPR1A (bone morphogenetic protein receptor type 1A; plus strand). Cytogenetic location: 10q23.2.
Variant type: single nucleotide variant.
Coding change: c.37G>C on transcript NM_004329.3 (MANE Select); coding-DNA position 37, G replaced by C.
Protein change: p.Ala13Pro; replaces alanine 13 with proline.
Molecular consequence: missense variant. On other transcripts: 5 prime UTR variant (1), non-coding transcript variant (3), intron variant (4).
Genome position (GRCh38, 1-based): chr10:86,876,055, G>C. VCF-style: chr10-86876055-G-C. GRCh37 (hg19) VCF-style: chr10-88635812-G-C.
Other names: c.37G>C, p.Ala13Pro (NM_001406559.1, NM_001406560.1, NM_001406561.1 and 23 more transcripts); c.-43G>C (NM_001406588.1); c.-17-14007G>C (NM_001406584.1, NM_001406587.1, NM_001406585.1); c.-12-14012G>C (NM_001406586.1); short protein forms A13P.
Identifiers: ClinVar variation 2849080 (VCV002849080.3), dbSNP rs200115604, ClinGen allele CA377774816.
Genomic context (GRCh38, chr10:86,876,055, plus strand): 5'-CACAGGAAACATTACAATTGAACAATGCCTCAGCTATACATTTACATCAGATTATTGGGA[G>C]CCTATTTGTTCATCATTTCTCGTGTTCAAGGTAAATCAGTGTTCATTTTAGTAATGTATG-3'
Protein context (NP_004320.2, residues 3-23): QLYIYIRLLG[Ala13Pro]YLFIISRVQG

ClinVar aggregate classification (germline): Uncertain significance (1 of 4 stars; one submission).

Conditions:
Juvenile polyposis syndrome (JPS). Identifiers: Orphanet 2929, MedGen C0345893, MONDO:0017380, OMIM 174900.

Submission:

Labcorp Genetics (formerly Invitae), Labcorp
Classification: Uncertain significance for Juvenile polyposis syndrome. Last evaluated: 2023-03-24. Review status: criteria provided, single submitter. Criteria: Invitae Variant Classification Sherloc (09022015). Collection method: clinical testing. Allele origin: germline.
Comment: In summary, the available evidence is currently insufficient to determine the role of this variant in disease. Therefore, it has been classified as a Variant of Uncertain Significance. Advanced modeling of protein sequence and biophysical properties (such as structural, functional, and spatial information, amino acid conservation, physicochemical variation, residue mobility, and thermodynamic stability) performed at Invitae indicates that this missense variant is not expected to disrupt BMPR1A protein function. This variant has not been reported in the literature in individuals affected with BMPR1A-related conditions. This variant is not present in population databases (gnomAD no frequency). This sequence change replaces alanine, which is neutral and non-polar, with proline, which is neutral and non-polar, at codon 13 of the BMPR1A protein (p.Ala13Pro).